The following is an entry in ClinVar:

NM_201384.3(PLEC):c.10966C>T (p.Arg3656Trp)

Gene: PLEC (plectin; minus strand). Cytogenetic location: 8q24.3.
Variant type: single nucleotide variant.
Coding change: c.10966C>T on transcript NM_201384.3 (MANE Select); coding-DNA position 10966, C replaced by T.
Protein change: p.Arg3656Trp; replaces arginine 3656 with tryptophan.
Molecular consequence: missense variant.
Genome position (GRCh38, 1-based): chr8:143,918,855, G>A on the plus strand (C>T on the coding strand, the complement: PLEC is on the minus strand). VCF-style: chr8-143918855-G-A. GRCh37 (hg19) VCF-style: chr8-144993023-G-A.
Other names: c.11047C>T (NM_000445.3, NM_000445.4); c.11047C>T, p.Arg3683Trp (NM_000445.5); c.7666C>T, p.Arg2556Trp (NM_001410941.1); c.10924C>T, p.Arg3642Trp (NM_201378.4); c.10900C>T, p.Arg3634Trp (NM_201379.3); c.11377C>T, p.Arg3793Trp (NM_201380.4); c.10870C>T, p.Arg3624Trp (NM_201381.3); c.10966C>T, p.Arg3656Trp (NM_201382.4); and 1 more; short protein forms R3642W, R3634W, R3660W, R3793W, R3624W, R3656W, R2556W, R3683W.
Identifiers: ClinVar variation 2154123 (VCV002154123.8), dbSNP rs782033096, ClinGen allele CA4924477.

ClinVar aggregate classification (germline): Uncertain significance. Review status: criteria provided, multiple submitters, no conflicts (2 of 4 stars). 3 submissions from 3 submitters: Uncertain significance (3). Last evaluated 2025-11-26.

Conditions:
Inborn genetic diseases. Identifiers: MedGen C0950123, MeSH D030342.
PLEC-related disorder. Also called: PLEC-related condition; PLEC-related disorders.
Epidermolysis bullosa simplex 5B, with muscular dystrophy (EBS5B). Also called: Epidermolysis bullosa simplex with muscular dystrophy; EPIDERMOLYSIS BULLOSA SIMPLEX AND LIMB-GIRDLE MUSCULAR DYSTROPHY. Identifiers: Orphanet 257, MedGen C2931072, MONDO:0009181, OMIM 226670.
Epidermolysis bullosa simplex, Ogna type (EBS5A). Also called: Pidermolysis bullosa simplex 5A, Ogna type; EPIDERMOLYSIS BULLOSA SIMPLEX 5A, OGNA TYPE. Identifiers: Orphanet 79401, MedGen C0432317, MONDO:0007555, OMIM 131950.
Epidermolysis bullosa simplex 5C, with pyloric atresia (EBS5C). Also called: PLEC1-Related Epidermolysis Bullosa with Pyloric Atresia; PLEC-Related Epidermolysis Bullosa with Pyloric Atresia; Epidermolysis bullosa simplex with pyloric atresia. Identifiers: Orphanet 158684, MedGen C2677349, MONDO:0012807, OMIM 612138.
Epidermolysis bullosa simplex with nail dystrophy (EBS5D). Identifiers: MedGen C4225309, MONDO:0014661, OMIM 616487.
Autosomal recessive limb-girdle muscular dystrophy type 2Q (LGMDR17). Also called: MUSCULAR DYSTROPHY, LIMB-GIRDLE, AUTOSOMAL RECESSIVE 17. Identifiers: Orphanet 254361, MedGen C3150989, MONDO:0013390, OMIM 613723.

Allele frequency attached by ClinVar (database versions not stated): gnomAD 0.00001; gnomAD exomes 0.00002; TOPMed 0.00002; ExAC 0.00003.
gnomAD v4.1: 27 of 1,612,812 alleles (0.0017%); highest among the groups gnomAD compares: Admixed American, 0.0067%; no homozygotes.

Submissions (3):

Ambry Genetics
Classification: Uncertain significance for Inborn genetic diseases. Last evaluated: 2025-11-26. Review status: criteria provided, single submitter. Criteria: Ambry Variant Classification Scheme 2023. Collection method: clinical testing. Allele origin: germline.

PreventionGenetics, part of Exact Sciences
Classification: Uncertain significance for PLEC-related condition. Last evaluated: 2025-10-06. Review status: criteria provided, single submitter. Criteria: ACMG Guidelines, 2015. Collection method: clinical testing. Allele origin: germline.
Comment: The PLEC c.11047C>T variant is predicted to result in the amino acid substitution p.Arg3683Trp. To our knowledge, this variant has not been reported in the literature. This variant is reported in 0.0065% of alleles in individuals of South Asian descent in gnomAD. At this time, the clinical significance of this variant is uncertain due to the absence of conclusive functional and genetic evidence.

Labcorp Genetics (formerly Invitae), Labcorp
Classification: Uncertain significance for Autosomal recessive limb-girdle muscular dystrophy type 2Q; Epidermolysis bullosa simplex, Ogna type; Epidermolysis bullosa simplex with nail dystrophy; Epidermolysis bullosa simplex 5C, with pyloric atresia; Epidermolysis bullosa simplex 5B, with muscular dystrophy. Last evaluated: 2024-12-05. Review status: criteria provided, single submitter. Criteria: Invitae Variant Classification Sherloc (09022015). Collection method: clinical testing. Allele origin: germline.
Comment: This sequence change replaces arginine, which is basic and polar, with tryptophan, which is neutral and slightly polar, at codon 3683 of the PLEC protein (p.Arg3683Trp). This variant is present in population databases (rs782033096, gnomAD 0.006%). This variant has not been reported in the literature in individuals affected with PLEC-related conditions. ClinVar contains an entry for this variant (Variation ID: 2154123). An algorithm developed to predict the effect of missense changes on protein structure and function (PolyPhen-2) suggests that this variant is likely to be disruptive. In summary, the available evidence is currently insufficient to determine the role of this variant in disease. Therefore, it has been classified as a Variant of Uncertain Significance.